The following is an entry in ClinVar:

NM_000059.4(BRCA2):c.7521A>G (p.Pro2507=)

Gene: BRCA2 (BRCA2 DNA repair associated; plus strand). Cytogenetic location: 13q13.1.
Variant type: single nucleotide variant.
Coding change: c.7521A>G on transcript NM_000059.4 (MANE Select); coding-DNA position 7521, A replaced by G.
Protein change: p.Pro2507=; no amino-acid change (proline 2507 retained).
Molecular consequence: synonymous variant.
Genome position (GRCh38, 1-based): chr13:32,356,513, A>G. VCF-style: chr13-32356513-A-G. GRCh37 (hg19) VCF-style: chr13-32930650-A-G.
Other names: NM_000059.4(BRCA2):c.7521A>G; p.Pro2507=.
Identifiers: ClinVar variation 184061 (VCV000184061.35), dbSNP rs759383358, ClinGen allele CA025129.
Genomic context (GRCh38, chr13:32,356,513, plus strand): 5'-CAGAGATATACAGGATATGCGAATTAAGAAGAAACAAAGGCAACGCGTCTTTCCACAGCC[A>G]GGCAGTCTGTATCTTGCAAAAACATCCACTCTGCCTCGAATCTCTCTGAAAGCAGCAGTA-3'
Protein context (NP_000050.3, residues 2497-2517): KKQRQRVFPQ[Pro2507=]GSLYLAKTST

ClinVar aggregate classification (germline): Benign. Review status: reviewed by expert panel (3 of 4 stars). 13 submissions from 13 submitters: Benign (1). 12 of the submissions do not count toward it. Last evaluated 2024-06-11.

Conditions:
BRCA2-related disorder. Also called: BRCA2-related disorders; BRCA2-related condition. Identifiers: MedGen CN239275.
BRCA2-related cancer predisposition. Identifiers: MedGen CN377758, MONDO:0700269.
Hereditary cancer-predisposing syndrome. Also called: Tumor predisposition; Neoplastic Syndromes, Hereditary; Hereditary neoplastic syndrome; Hereditary Cancer Syndrome. Identifiers: Orphanet 140162, MedGen C0027672, MeSH D009386, MONDO:0015356.
Breast neoplasm. Also called: Neoplasm of breast; Breast tumor; Neoplasm of the breast; Breast Neoplasms. Identifiers: MedGen C1458155, MeSH D001943, MONDO:0021100, HP:0100013. Disease mechanism: gain of function.
Hereditary breast ovarian cancer syndrome. Also called: Hereditary breast and ovarian cancer; BRCA1- and BRCA2-Associated Hereditary Breast and Ovarian Cancer; Breast and ovarian cancer; Hereditary breast and/or ovarian cancer syndrome; Hereditary breast and ovarian cancer syndrome; Hereditary breast and ovarian cancer syndrome (HBOC). Identifiers: Orphanet 145, MedGen C0677776, MeSH D061325, MONDO:0003582. Disease mechanism: loss of function.

Allele frequency attached by ClinVar (database versions not stated): TOPMed 0.00001; ExAC 0.00004; gnomAD exomes 0.00004 and 0.00001; gnomAD 0.00001.
gnomAD v4.1: 12 of 1,614,130 alleles (0.00074%); highest among the groups gnomAD compares: East Asian, 0.024%; no homozygotes.

Submissions (13):

ClinGen ENIGMA BRCA1 and BRCA2 Variant Curation Expert Panel, ClinGen
Classification: Benign for BRCA2-related cancer predisposition. Last evaluated: 2024-06-11. Review status: reviewed by expert panel. Criteria: CSpec BRCA1/2ACMG Rules Specifications V1.0. Collection method: curation. Allele origin: germline. Inheritance: Autosomal dominant inheritance.
Comment: The c.7521A>G variant in BRCA2 is a synonymous variant (p.Pro2507=). The highest non-cancer, non-founder population filter allele frequency in gnomAD v2.1 (exomes only, non-cancer subset, read depth >=20) or gnomAD v3.1 (non-cancer subset, read depth >=20) is 0.0003057 in the East Asian population, which is above the ENIGMA BRCA1/2 VCEP threshold (>0.0001) for BS1, and below the BA1 threshold (>0.001) (BS1 met). This BRCA2 synonymous (silent) variant is within a key functional domain, and SpliceAI predictor score of 0.01 suggests that the variant has no impact on splicing (score threshold <0.10) (BP4 met). This is a synonymous (silent) variant, and mRNA experimental analysis indicates no impact on splicing (PMID: 24489791), considered strong evidence against pathogenicity (BP7_Strong (RNA)). Multifactorial likelihood ratio analysis using clinically calibrated data produced a combined LR for this variant of 0.01 (based on Cosegregation LR=0.01), within the thresholds for Strong benign evidence (LR >=0.00285 & <0.05) (BP5_Strong met; PMID: 24489791). In summary, this variant meets the criteria to be classified as a Benign variant for BRCA2-related cancer predisposition based on the ACMG/AMP criteria applied as specified by the ENIGMA BRCA1/2 VCEP (BS1, BP4, BP7_Strong (RNA), BP5_Strong).

Labcorp Genetics (formerly Invitae), Labcorp
Classification: Likely benign for Hereditary breast ovarian cancer syndrome. Last evaluated: 2025-12-13. Review status: criteria provided, single submitter. Criteria: Invitae Variant Classification Sherloc (09022015). Collection method: clinical testing. Allele origin: germline. Not counted in ClinVar's aggregate classification.

Center for Genomic Medicine, Rigshospitalet, Copenhagen University Hospital
Classification: Benign. Last evaluated: 2025-03-04. Review status: criteria provided, single submitter. Criteria: ACMG Guidelines, 2015. Collection method: clinical testing. Allele origin: germline. Not counted in ClinVar's aggregate classification.

Blueprint Genetics
Classification: Likely benign. Last evaluated: 2023-10-20. Review status: criteria provided, single submitter. Criteria: ACMG Guidelines, 2015. Collection method: clinical testing. Allele origin: germline. Not counted in ClinVar's aggregate classification.

Color Diagnostics, LLC DBA Color Health
Classification: Benign for Hereditary cancer-predisposing syndrome. Last evaluated: 2022-01-19. Review status: criteria provided, single submitter. Criteria: ACMG Guidelines, 2015. Collection method: clinical testing. Allele origin: germline. Not counted in ClinVar's aggregate classification.

Quest Diagnostics Nichols Institute San Juan Capistrano
Classification: Benign. Last evaluated: 2021-04-16. Review status: criteria provided, single submitter. Criteria: Quest Diagnostics criteria. Collection method: clinical testing. Allele origin: unknown. Not counted in ClinVar's aggregate classification.

Women's Health and Genetics/Laboratory Corporation of America, LabCorp
Classification: Likely benign. Last evaluated: 2021-01-08. Review status: criteria provided, single submitter. Criteria: LabCorp Variant Classification Summary - May 2015. Collection method: clinical testing. Allele origin: germline. Not counted in ClinVar's aggregate classification.

Genetic Services Laboratory, University of Chicago
Classification: Likely benign. Last evaluated: 2018-03-27. Review status: criteria provided, single submitter. Criteria: ACMG Guidelines, 2015. Collection method: clinical testing. Allele origin: germline. Affected: no. Not counted in ClinVar's aggregate classification.

Ambry Genetics
Classification: Benign for Hereditary cancer-predisposing syndrome. Last evaluated: 2016-03-01. Review status: criteria provided, single submitter. Criteria: Ambry Variant Classification Scheme 2023. Collection method: clinical testing. Allele origin: germline. Not counted in ClinVar's aggregate classification.

Laboratory of Molecular Diagnosis of Cancer, West China Hospital, Sichuan University
Classification: Uncertain significance for Breast neoplasm. Last evaluated: 2015-11-01. Review status: criteria provided, single submitter. Criteria: ACMG Guidelines, 2015. Collection method: research. Allele origin: germline. Affected: yes. Observed: 1 variant allele. Not counted in ClinVar's aggregate classification.

GeneDx
Classification: Benign. Last evaluated: 2015-03-18. Review status: criteria provided, single submitter. Criteria: GeneDx Variant Classification (06012015). Collection method: clinical testing. Allele origin: germline. Affected: yes. Not counted in ClinVar's aggregate classification.
Comment: This variant is considered likely benign or benign based on one or more of the following criteria: it is a conservative change, it occurs at a poorly conserved position in the protein, it is predicted to be benign by multiple in silico algorithms, and/or has population frequency not consistent with disease.

PreventionGenetics, part of Exact Sciences
Classification: Likely benign for BRCA2-related condition. Last evaluated: 2020-07-22. Review status: no assertion criteria provided. Collection method: clinical testing. Allele origin: germline. Not counted in ClinVar's aggregate classification.
Comment: This variant is classified as likely benign based on ACMG/AMP sequence variant interpretation guidelines (Richards et al. 2015 PMID: 25741868, with internal and published modifications).

Department of Pathology and Laboratory Medicine, Sinai Health System
Classification: Likely benign. Review status: no assertion criteria provided. Collection method: clinical testing. Allele origin: unknown. Affected: yes. Study: The Canadian Open Genetics Repository (COGR). Not counted in ClinVar's aggregate classification.
Comment: The p.Pro2507Pro variant is not expected to have clinical significance because it does not alter an amino acid residue, and is not located near a splice junction. This variant was not identified in the literature. It was identified only once in the UMD databases and not in other BRCA2 locus specific databases. Based on the above information, the clinical significance of this variant cannot be determined with certainty at this time, although we would lean towards a more benign role for this variant. This variant is classified as predicted Benign.

Literature cited by the submitters: PubMed 24489791 (cited by Quest Diagnostics Nichols Institute San Juan Capistrano and Women's Health and Genetics/Laboratory Corporation of America, LabCorp); PubMed 27257965 (cited by Women's Health and Genetics/Laboratory Corporation of America, LabCorp and Laboratory of Molecular Diagnosis of Cancer, West China Hospital, Sichuan University).